The following is an entry in ClinVar:

NM_001278116.2(L1CAM):c.649A>C (p.Arg217=)

Gene: L1CAM (L1 cell adhesion molecule; minus strand). Cytogenetic location: Xq28.
Variant type: single nucleotide variant.
Coding change: c.649A>C on transcript NM_001278116.2 (MANE Select); coding-DNA position 649, A replaced by C.
Protein change: p.Arg217=; no amino-acid change (arginine 217 retained).
Molecular consequence: synonymous variant.
Genome position (GRCh38, 1-based): chrX:153,870,835, T>G on the plus strand (A>C on the coding strand, the complement: L1CAM is on the minus strand). VCF-style: chrX-153870835-T-G. GRCh37 (hg19) VCF-style: chrX-153136290-T-G.
Other names: c.649A>C, p.Arg217= (NM_000425.5, NM_024003.3); c.634A>C, p.Arg212= (NM_001143963.2).
Identifiers: ClinVar variation 589419 (VCV000589419.43), dbSNP rs201204893, ClinGen allele CA10554542.

ClinVar aggregate classification (germline): Benign/Likely benign. Review status: criteria provided, multiple submitters, no conflicts (2 of 4 stars). 9 submissions from 7 submitters: Benign (5); Likely benign (4). Last evaluated 2026-01-20.

Conditions:
Inborn genetic diseases. Identifiers: MedGen C0950123, MeSH D030342.
Spastic paraplegia. Identifiers: MedGen C0037772, HP:0001258.
X-linked hydrocephalus syndrome (HYCX). Also called: X-Linked Hydrocephalus with Stenosis of the Aqueduct of Sylvius (HSAS); X-linked hydrocephalus; HYDROCEPHALUS, CONGENITAL, X-LINKED; AQUEDUCTAL STENOSIS, X-LINKED; X-Linked Hydrocephalus with Stenosis of the Aqueduct of Sylvius. Identifiers: Orphanet 2182, MedGen C0265216, MONDO:0010611, OMIM 307000.
MASA syndrome. Also called: MASA Syndrome (Mental Retardation, Adducted Thumbs, Shuffling Gait, and Aphasia); MASA (Mental Retardation, Adducted Thumbs, Shuffling Gait, Aphasia) Syndrome, Including SPG1 (X-Linked Complicated Hereditary Spastic Paraplegia Type 1); CRASH syndrome; MENTAL RETARDATION, APHASIA, SHUFFLING GAIT, AND ADDUCTED THUMBS; ADDUCTED THUMB WITH MENTAL RETARDATION; CLASPED THUMB AND MENTAL RETARDATION. Identifiers: Orphanet 2466, MedGen C0795953, MONDO:0010559, OMIM 303350.
X-linked complicated corpus callosum dysgenesis. Also called: X-Linked Complicated Corpus Callosum Agenesis. Identifiers: Orphanet 1497, MedGen C1839909, MONDO:0010569, OMIM 304100.

Allele frequency attached by ClinVar (database versions not stated): gnomAD 0.00014 and 0.00015; TOPMed 0.00019; ExAC 0.00021; gnomAD exomes 0.00021 and 0.00025.

Submissions (9):

Labcorp Genetics (formerly Invitae), Labcorp
Classification: Likely benign for Spastic paraplegia. Last evaluated: 2026-01-20. Review status: criteria provided, single submitter. Criteria: Invitae Variant Classification Sherloc (09022015). Collection method: clinical testing. Allele origin: germline.

Blueprint Genetics
Classification: Likely benign. Last evaluated: 2024-11-13. Review status: criteria provided, single submitter. Criteria: ACMG Guidelines, 2015. Collection method: clinical testing. Allele origin: germline.

CeGaT Center for Human Genetics Tuebingen
Classification: Likely benign. Last evaluated: 2023-04-01. Review status: criteria provided, single submitter. Criteria: CeGaT Center For Human Genetics Tuebingen Variant Classification Criteria Version 2. Collection method: clinical testing. Allele origin: germline. Affected: yes. Observed: 1 variant allele.
Comment: L1CAM: BP4, BP7, BS2

Genome-Nilou Lab
Classification: Benign for X-linked complicated corpus callosum dysgenesis. Last evaluated: 2021-08-19. Review status: criteria provided, single submitter. Criteria: ACMG Guidelines, 2015. Collection method: clinical testing. Allele origin: germline. Affected: no.

Genome-Nilou Lab
Classification: Benign for MASA syndrome. Last evaluated: 2021-08-19. Review status: criteria provided, single submitter. Criteria: ACMG Guidelines, 2015. Collection method: clinical testing. Allele origin: germline. Affected: no.

Genome-Nilou Lab
Classification: Benign for X-linked hydrocephalus syndrome. Last evaluated: 2021-08-19. Review status: criteria provided, single submitter. Criteria: ACMG Guidelines, 2015. Collection method: clinical testing. Allele origin: germline. Affected: no.

Ambry Genetics
Classification: Benign for Inborn genetic diseases. Last evaluated: 2016-10-10. Review status: criteria provided, single submitter. Criteria: Ambry Variant Classification Scheme 2023. Collection method: clinical testing. Allele origin: germline.

GeneDx
Classification: Benign. Last evaluated: 2015-03-03. Review status: criteria provided, single submitter. Criteria: GeneDx Variant Classification Process June 2021. Collection method: clinical testing. Allele origin: germline. Affected: yes.

Breakthrough Genomics
Classification: Likely benign. Review status: criteria provided, single submitter. Criteria: ACMG Guidelines, 2015. Collection method: not provided. Allele origin: germline. Inheritance: X-linked inheritance. Affected: yes.